The following is an entry in ClinVar:

NC_000002.12:g.121530985A>G

Genes: CLASP1 (cytoplasmic linker associated protein 1; minus strand), CLASP1-AS1 (CLASP1 antisense RNA 1; plus strand), RNU4ATAC (RNA, U4atac small nuclear; plus strand). Cytogenetic location: 2q14.2.
Variant type: single nucleotide variant.
Molecular consequence: intron variant (on NM_001395891.1).
Genome position: GRCh38 VCF-style: chr2-121530985-A-G. GRCh37 (hg19) VCF-style: chr2-122288561-A-G.
Other names: c.196-660T>C (NM_001142274.2, NM_015282.3, NM_001378003.1 and 5 more transcripts).
Identifiers: ClinVar variation 1405176 (VCV001405176.4), dbSNP rs983574623, ClinGen allele CA54811001.

ClinVar aggregate classification (germline): Uncertain significance (1 of 4 stars; one submission).

Allele frequency attached by ClinVar (database versions not stated): gnomAD 0.00002 and 0.00003.
gnomAD v4.1: 9 of 700,236 alleles (0.0013%); highest among the groups gnomAD compares: African/African-American, 0.007%; no homozygotes.

Submission:

Labcorp Genetics (formerly Invitae), Labcorp
Classification: Uncertain significance. Last evaluated: 2023-07-07. Review status: criteria provided, single submitter. Criteria: Invitae Variant Classification Sherloc (09022015). Collection method: clinical testing. Allele origin: germline.
Comment: This variant occurs in the RNU4ATAC gene, which encodes an RNA molecule that does not result in a protein product. This variant is present in population databases (no rsID available, gnomAD 0.002%). This variant has not been reported in the literature in individuals affected with RNU4ATAC-related conditions. ClinVar contains an entry for this variant (Variation ID: 1405176). Experimental studies and prediction algorithms are not available or were not evaluated, and the functional significance of this variant is currently unknown. In summary, the available evidence is currently insufficient to determine the role of this variant in disease. Therefore, it has been classified as a Variant of Uncertain Significance.